The following is an entry in ClinVar:

NM_018249.6(CDK5RAP2):c.4777A>G (p.Ser1593Gly)

Gene: CDK5RAP2 (CDK5 regulatory subunit associated protein 2; minus strand). Cytogenetic location: 9q33.2.
Variant type: single nucleotide variant.
Coding change: c.4777A>G on transcript NM_018249.6 (MANE Select); coding-DNA position 4777, A replaced by G.
Protein change: p.Ser1593Gly; replaces serine 1593 with glycine.
Molecular consequence: missense variant. On other transcripts: non-coding transcript variant (5), intron variant (1).
Genome position (GRCh38, 1-based): chr9:120,407,198, T>C on the plus strand (A>G on the coding strand, the complement: CDK5RAP2 is on the minus strand). VCF-style: chr9-120407198-T-C. GRCh37 (hg19) VCF-style: chr9-123169476-T-C.
Other names: c.4087A>G, p.Ser1363Gly (NM_001272039.2); c.4726+1149A>G (NM_001011649.3); short protein forms S1593G, S1363G.
Identifiers: ClinVar variation 381386 (VCV000381386.1), dbSNP rs1057521033, ClinGen allele CA16606204.
Genomic context (GRCh38, chr9:120,407,198, plus strand): 5'-TGCTGGTTTCGATGCTCCTTTCTAGTTGCAAGCGCAGAGCCTGGATCTCCATCAGGAGGC[T>C]GTGCAGGTCCCTGAAAGGATCCTGCCCCTTCCAGCCTTCTCCCGACGCCTCTGAGGACAT-3'
Protein context (NP_060719.4, residues 1583-1603): KGQDPFRDLH[Ser1593Gly]LLMEIQALRL

ClinVar aggregate classification (germline): Likely benign (1 of 4 stars; one submission).

Allele frequency attached by ClinVar (database versions not stated): gnomAD exomes below 0.00001; TOPMed below 0.00001.
gnomAD v4.1: 2 of 1,613,826 alleles (0.00012%); highest among the groups gnomAD compares: Non-Finnish European, 0.00017%; no homozygotes.

Submission:

GeneDx
Classification: Likely benign. Last evaluated: 2015-11-03. Review status: criteria provided, single submitter. Criteria: GeneDx Variant Classification (06012015). Collection method: clinical testing. Allele origin: germline. Affected: yes.
Comment: This variant is considered likely benign or benign based on one or more of the following criteria: it is a conservative change, it occurs at a poorly conserved position in the protein, it is predicted to be benign by multiple in silico algorithms, and/or has population frequency not consistent with disease.